The following is an entry in ClinVar:

ClinVar aggregate classification (germline): Benign (1 of 4 stars; one submission).

Conditions:
Colorectal cancer, susceptibility to, 1. Also called: COLORECTAL ADENOMA AND CANCER, SUSCEPTIBILITY TO; COLORECTAL CANCER, SUSCEPTIBILITY TO, ON CHROMOSOME 9. Identifiers: MedGen C1837315, MONDO:0012132, OMIM 608812.

Submission:

Myriad Genetics, Inc.
Classification: Benign for Colorectal cancer, susceptibility to, 1. Last evaluated: 2026-04-24. Review status: criteria provided, single submitter. Criteria: Myriad Autosomal Dominant, Autosomal Recessive and X-Linked Classification Criteria (2023). Collection method: clinical testing. Allele origin: unknown.
Comment: This variant is considered benign. This variant is a silent/synonymous amino acid change and it is not expected to impact splicing.

NM_024642.5(GALNT12):c.1062A>G (p.Glu354=)

Gene: GALNT12 (polypeptide N-acetylgalactosaminyltransferase 12; plus strand). Cytogenetic location: 9q22.33.
Variant type: single nucleotide variant.
Coding change: c.1062A>G on transcript NM_024642.5 (MANE Select); coding-DNA position 1062, A replaced by G.
Protein change: p.Glu354=; no amino-acid change (glutamic acid 354 retained).
Molecular consequence: synonymous variant.
Genome position (GRCh38, 1-based): chr9:98,836,998, A>G. VCF-style: chr9-98836998-A-G. GRCh37 (hg19) VCF-style: chr9-101599280-A-G.
Identifiers: ClinVar variation 4876206 (VCV004876206.1).